The following is an entry in ClinVar:

NM_014915.3(ANKRD26):c.2882A>G (p.Lys961Arg)

Gene: ANKRD26 (ankyrin repeat domain containing 26; minus strand). Cytogenetic location: 10p12.1.
Variant type: single nucleotide variant.
Coding change: c.2882A>G on transcript NM_014915.3 (MANE Select); coding-DNA position 2882, A replaced by G.
Protein change: p.Lys961Arg; replaces lysine 961 with arginine.
Molecular consequence: missense variant.
Genome position (GRCh38, 1-based): chr10:27,035,568, T>C on the plus strand (A>G on the coding strand, the complement: ANKRD26 is on the minus strand). VCF-style: chr10-27035568-T-C. GRCh37 (hg19) VCF-style: chr10-27324497-T-C.
Other names: c.2879A>G, p.Lys960Arg (NM_001256053.2); short protein forms K961R, K960R.
Identifiers: ClinVar variation 4102860 (VCV004102860.1).

ClinVar aggregate classification (germline): Uncertain significance (1 of 4 stars; one submission).

Conditions:
Inborn genetic diseases. Identifiers: MedGen C0950123, MeSH D030342.

Submission:

Ambry Genetics
Classification: Uncertain significance for Inborn genetic diseases. Last evaluated: 2025-06-21. Review status: criteria provided, single submitter. Criteria: Ambry Variant Classification Scheme 2023. Collection method: clinical testing. Allele origin: germline.
Comment: The p.K961R variant (also known as c.2882A>G), located in coding exon 24 of the ANKRD26 gene, results from an A to G substitution at nucleotide position 2882. The lysine at codon 961 is replaced by arginine, an amino acid with highly similar properties. This amino acid position is conserved. In addition, this alteration is predicted to be tolerated by in silico analysis. Based on the available evidence, the clinical significance of this variant remains unclear.